The following is an entry in ClinVar:

ClinVar aggregate classification (germline): Uncertain significance (1 of 4 stars; one submission).

Allele frequency attached by ClinVar (database versions not stated): ExAC 0.00001; gnomAD 0.00001; gnomAD exomes 0.00001.
gnomAD v4.1: 12 of 1,614,074 alleles (0.00074%); highest among the groups gnomAD compares: South Asian, 0.0022%; no homozygotes.

Submission:

Labcorp Genetics (formerly Invitae), Labcorp
Classification: Uncertain significance. Last evaluated: 2022-09-14. Review status: criteria provided, single submitter. Criteria: Invitae Variant Classification Sherloc (09022015). Collection method: clinical testing. Allele origin: germline.
Comment: This variant is present in population databases (rs749686242, gnomAD 0.003%). This sequence change replaces methionine, which is neutral and non-polar, with isoleucine, which is neutral and non-polar, at codon 2691 of the TRRAP protein (p.Met2691Ile). This variant has not been reported in the literature in individuals affected with TRRAP-related conditions. In summary, the available evidence is currently insufficient to determine the role of this variant in disease. Therefore, it has been classified as a Variant of Uncertain Significance. Advanced modeling of protein sequence and biophysical properties (such as structural, functional, and spatial information, amino acid conservation, physicochemical variation, residue mobility, and thermodynamic stability) performed at Invitae indicates that this missense variant is not expected to disrupt TRRAP protein function.

NM_001375524.1(TRRAP):c.8148G>A (p.Met2716Ile)

Gene: TRRAP (transformation/transcription domain associated protein; plus strand). Cytogenetic location: 7q22.1.
Variant type: single nucleotide variant.
Coding change: c.8148G>A on transcript NM_001375524.1 (MANE Select); coding-DNA position 8148, G replaced by A.
Protein change: p.Met2716Ile; replaces methionine 2716 with isoleucine.
Molecular consequence: missense variant.
Genome position (GRCh38, 1-based): chr7:98,976,671, G>A. VCF-style: chr7-98976671-G-A. GRCh37 (hg19) VCF-style: chr7-98574294-G-A.
Other names: c.8127G>A, p.Met2709Ile (NM_001244580.2); c.8073G>A, p.Met2691Ile (NM_003496.4); short protein forms M2709I, M2716I, M2691I.
Identifiers: ClinVar variation 1993302 (VCV001993302.4), dbSNP rs749686242, ClinGen allele CA4361337.